The following is an entry in ClinVar:

ClinVar aggregate classification (germline): Pathogenic (1 of 4 stars; one submission).

Conditions:
Catecholaminergic polymorphic ventricular tachycardia 1. Also called: VENTRICULAR TACHYCARDIA, CATECHOLAMINERGIC POLYMORPHIC, 1, WITH OR WITHOUT ATRIAL DYSFUNCTION AND/OR DILATED CARDIOMYOPATHY; RYR2-Related Catecholaminergic Polymorphic Ventricular Tachycardia; VENTRICULAR TACHYCARDIA, STRESS-INDUCED POLYMORPHIC 1. Identifiers: Orphanet 3286, MedGen C1631597, MONDO:0011484, OMIM 604772.

Submission:

Labcorp Genetics (formerly Invitae), Labcorp
Classification: Pathogenic for Catecholaminergic polymorphic ventricular tachycardia 1. Last evaluated: 2023-02-10. Review status: criteria provided, single submitter. Criteria: Invitae Variant Classification Sherloc (09022015). Collection method: clinical testing. Allele origin: germline.
Comment: A gross deletion of the genomic region encompassing the full coding sequence of the TRDN gene has been identified. Loss-of-function variants in TRDN are known to be pathogenic (PMID: 22422768, 25922419, 26200674, 30649896). The boundaries of this event are unknown as they extend beyond the assayed region for this gene and therefore may encompass additional genes. This variant has not been reported in the literature in individuals affected with TRDN-related conditions. For these reasons, this variant has been classified as Pathogenic.

Literature cited by the submitters: PubMed 22422768; PubMed 25922419; PubMed 26200674; PubMed 30649896.

NC_000006.11:g.(?_123539746)_(123957920_?)del

Gene: TRDN (triadin; minus strand). Cytogenetic location: 6q22.31.
Variant type: Deletion.
Identifiers: ClinVar variation 2425490 (VCV002425490.3).